The following is an entry in ClinVar:

ClinVar aggregate classification (germline): Uncertain significance (1 of 4 stars; one submission).

Allele frequency attached by ClinVar (database versions not stated): TOPMed below 0.00001; ESP Exome Variant Server 0.00008.

Submission:

Ambry Genetics
Classification: Uncertain significance. Last evaluated: 2023-08-02. Review status: criteria provided, single submitter. Criteria: Ambry Variant Classification Scheme 2023. Collection method: clinical testing. Allele origin: germline.
Comment: The p.V864L variant (also known as c.2590G>T), located in coding exon 16 of the POLQ gene, results from a G to T substitution at nucleotide position 2590. The valine at codon 864 is replaced by leucine, an amino acid with highly similar properties. This amino acid position is conserved. In addition, this alteration is predicted to be tolerated by in silico analysis. Since supporting evidence is limited at this time, the clinical significance of this alteration remains unclear.

NM_199420.4(POLQ):c.2590G>T (p.Val864Leu)

Gene: POLQ (DNA polymerase theta; minus strand). Cytogenetic location: 3q13.33.
Variant type: single nucleotide variant.
Coding change: c.2590G>T on transcript NM_199420.4 (MANE Select); coding-DNA position 2590, G replaced by T.
Protein change: p.Val864Leu; replaces valine 864 with leucine.
Molecular consequence: missense variant.
Genome position (GRCh38, 1-based): chr3:121,490,341, C>A on the plus strand (G>T on the coding strand, the complement: POLQ is on the minus strand). VCF-style: chr3-121490341-C-A. GRCh37 (hg19) VCF-style: chr3-121209188-C-A.
Other names: short protein forms V864L.
Identifiers: ClinVar variation 2625856 (VCV002625856.2), dbSNP rs374232635, ClinGen allele CA81837007.